The following is an entry in ClinVar:

ClinVar aggregate classification (germline): Likely benign (1 of 4 stars; one submission).

Conditions:
MLPH-related disorder. Also called: MLPH-related condition.

Submission:

PreventionGenetics, part of Exact Sciences
Classification: Likely benign for MLPH-related condition. Last evaluated: 2025-01-06. Review status: criteria provided, single submitter. Criteria: ACMG Guidelines, 2015. Collection method: clinical testing. Allele origin: germline.
Comment: This variant is classified as likely benign based on ACMG/AMP sequence variant interpretation guidelines (Richards et al. 2015 PMID: 25741868, with internal and published modifications).

NM_024101.7(MLPH):c.948G>A (p.Glu316=)

Gene: MLPH (melanophilin; plus strand). Cytogenetic location: 2q37.3.
Variant type: single nucleotide variant.
Coding change: c.948G>A on transcript NM_024101.7 (MANE Select); coding-DNA position 948, G replaced by A.
Protein change: p.Glu316=; no amino-acid change (glutamic acid 316 retained).
Molecular consequence: synonymous variant. On other transcripts: non-coding transcript variant (1), intron variant (1).
Genome position (GRCh38, 1-based): chr2:237,527,444, G>A. VCF-style: chr2-237527444-G-A. GRCh37 (hg19) VCF-style: chr2-238436087-G-A.
Other names: c.948G>A, p.Glu316= (NM_001042467.3); c.828G>A, p.Glu276= (NM_001281473.2); c.675+7415G>A (NM_001281474.2).
Identifiers: ClinVar variation 4998585 (VCV004998585.1).
Genomic context (GRCh38, chr2:237,527,444, plus strand): 5'-TGTCATCAGGAATGAGCAGCTGCCCCTGCAGTACTTGGCCGATGTGGACACCTCTGATGA[G>A]GAAAGCATCCGGGCTCACGTGATGGCCTCCCACCATTCCAAGCGGAGAGGCCGGGCGTCT-3'
Protein context (NP_077006.1, residues 306-326): QYLADVDTSD[Glu316=]ESIRAHVMAS